The following is an entry in ClinVar:

NC_000005.10:g.112707375A>C

Gene: APC (APC regulator of Wnt signaling pathway; plus strand). Cytogenetic location: 5q22.2.
Variant type: single nucleotide variant.
Genome position: GRCh38 VCF-style: chr5-112707375-A-C. GRCh37 (hg19) VCF-style: chr5-112043072-A-C.
Identifiers: ClinVar variation 1054211 (VCV001054211.8), dbSNP rs13180781, ClinGen allele CA2499217369.
Genomic context (GRCh38, chr5:112,707,375, plus strand): 5'-CAGCACAATTCAGAGAAGGCCAGTAAGTGCTGCAACTGAGACTCGGCTGCCTAGGCAGCA[A>C]TGGCTCACGGGACAGAACAGCGAAGCAGTGCCCGGCAAGCGGAGCGCAGCACCCATTGCG-3'

ClinVar aggregate classification (germline): Uncertain significance (1 of 4 stars; one submission).

Conditions:
Familial adenomatous polyposis 1 (FAP1). Also called: FAMILIAL ADENOMATOUS POLYPOSIS 1, ATTENUATED; POLYPOSIS, ADENOMATOUS INTESTINAL. Identifiers: MedGen C2713442, MONDO:0021056, OMIM 175100. Disease mechanism: loss of function.

Submission:

Labcorp Genetics (formerly Invitae), Labcorp
Classification: Uncertain significance for Familial adenomatous polyposis 1. Last evaluated: 2020-08-31. Review status: criteria provided, single submitter. Criteria: Invitae Variant Classification Sherloc (09022015). Collection method: clinical testing. Allele origin: germline.
Comment: In summary, the available evidence is currently insufficient to determine the role of this variant in disease. Therefore, it has been classified as a Variant of Uncertain Significance. Experimental studies and prediction algorithms are not available or were not evaluated, and the functional significance of this variant is currently unknown. This variant has not been reported in the literature in individuals with APC-related conditions. The frequency data for this variant in the population databases is considered unreliable, as metrics indicate insufficient coverage at this position in the ExAC database. This variant occurs in a non-coding region of the APC gene. It does not change the encoded amino acid sequence of the APC protein.